The following is an entry in ClinVar:

ClinVar aggregate classification (germline): Uncertain significance. Review status: criteria provided, multiple submitters, no conflicts (2 of 4 stars). 2 submissions from 2 submitters: Uncertain significance (2). Last evaluated 2025-09-11.

Submissions (2):

Labcorp Genetics (formerly Invitae), Labcorp
Classification: Uncertain significance. Last evaluated: 2025-09-11. Review status: criteria provided, single submitter. Criteria: Invitae Variant Classification Sherloc (09022015). Collection method: clinical testing. Allele origin: germline.
Comment: This sequence change replaces methionine, which is neutral and non-polar, with valine, which is neutral and non-polar, at codon 1711 of the TRRAP protein (p.Met1711Val). This variant is present in population databases (no rsID available, gnomAD 0.006%). This variant has not been reported in the literature in individuals affected with TRRAP-related conditions. ClinVar contains an entry for this variant (Variation ID: 3336002). Invitae Evidence Modeling of protein sequence and biophysical properties (such as structural, functional, and spatial information, amino acid conservation, physicochemical variation, residue mobility, and thermodynamic stability) indicates that this missense variant is not expected to disrupt TRRAP protein function with a negative predictive value of 80%. In summary, the available evidence is currently insufficient to determine the role of this variant in disease. Therefore, it has been classified as a Variant of Uncertain Significance.

Women's Health and Genetics/Laboratory Corporation of America, LabCorp
Classification: Uncertain significance. Last evaluated: 2024-05-13. Review status: criteria provided, single submitter. Criteria: LabCorp Variant Classification Summary - May 2015. Collection method: clinical testing. Allele origin: germline.
Comment: Variant summary: TRRAP c.5131A>G (p.Met1711Val) results in a conservative amino acid change in the encoded protein sequence. Four of five in-silico tools predict a benign effect of the variant on protein function. The variant allele was found at a frequency of 1.2e-05 in 251486 control chromosomes. The available data on variant occurrences in the general population are insufficient to allow any conclusion about variant significance. To our knowledge, no occurrence of c.5131A>G in individuals affected with Developmental Delay With Or Without Dysmorphic Facies And Autism and no experimental evidence demonstrating its impact on protein function have been reported. No submitters have cited clinical-significance assessments for this variant to ClinVar. Based on the evidence outlined above, the variant was classified as uncertain significance.

NM_001375524.1(TRRAP):c.5206A>G (p.Met1736Val)

Genes: TRRAP (transformation/transcription domain associated protein; plus strand), LOC126860121 (MED14-independent group 3 enhancer GRCh37_chr7:98547245-98548444; plus strand). Cytogenetic location: 7q22.1.
Variant type: single nucleotide variant.
Coding change: c.5206A>G on transcript NM_001375524.1 (MANE Select); coding-DNA position 5206, A replaced by G.
Protein change: p.Met1736Val; replaces methionine 1736 with valine.
Molecular consequence: missense variant.
Genome position (GRCh38, 1-based): chr7:98,950,134, A>G. VCF-style: chr7-98950134-A-G. GRCh37 (hg19) VCF-style: chr7-98547757-A-G.
Other names: c.5185A>G, p.Met1729Val (NM_001244580.2); c.5131A>G, p.Met1711Val (NM_003496.4); short protein forms M1711V, M1729V, M1736V.
Identifiers: ClinVar variation 3336002 (VCV003336002.3).